The following is an entry in ClinVar:

NM_000513.2(OPN1MW):c.307A>G (p.Thr103Ala)

Gene: OPN1MW (opsin 1, medium wave sensitive; plus strand). Cytogenetic location: Xq28.
Variant type: single nucleotide variant.
Coding change: c.307A>G on transcript NM_000513.2 (MANE Select); coding-DNA position 307, A replaced by G.
Protein change: p.Thr103Ala; replaces threonine 103 with alanine.
Molecular consequence: missense variant.
Genome position (GRCh38, 1-based): chrX:154,187,964, A>G. VCF-style: chrX-154187964-A-G. GRCh37 (hg19) VCF-style: chrX-153453453-A-G.
Other names: short protein forms T103A.
Identifiers: ClinVar variation 2661789 (VCV002661789.24), dbSNP rs781807082, ClinGen allele CA10558954.

ClinVar aggregate classification (germline): Likely benign (1 of 4 stars; one submission).

Allele frequency attached by ClinVar (database versions not stated): ExAC 0.03157.

Submission:

CeGaT Center for Human Genetics Tuebingen
Classification: Likely benign. Last evaluated: 2024-02-01. Review status: criteria provided, single submitter. Criteria: CeGaT Center For Human Genetics Tuebingen Variant Classification Criteria Version 2. Collection method: clinical testing. Allele origin: germline. Affected: yes. Observed: 3 variant alleles.
Comment: OPN1MW: PP2, BS2